The following is an entry in ClinVar:

NM_005629.4(SLC6A8):c.1828G>C (p.Asp610His)

Gene: SLC6A8 (solute carrier family 6 member 8; plus strand). Cytogenetic location: Xq28.
Variant type: single nucleotide variant.
Coding change: c.1828G>C on transcript NM_005629.4 (MANE Select); coding-DNA position 1828, G replaced by C.
Protein change: p.Asp610His; replaces aspartic acid 610 with histidine.
Molecular consequence: missense variant.
Genome position (GRCh38, 1-based): chrX:153,695,134, G>C. VCF-style: chrX-153695134-G-C. GRCh37 (hg19) VCF-style: chrX-152960589-G-C.
Other names: c.1798G>C, p.Asp600His (NM_001142805.2); c.1483G>C, p.Asp495His (NM_001142806.1); short protein forms D495H, D600H, D610H.
Identifiers: ClinVar variation 1421726 (VCV001421726.8), dbSNP rs2148365271, ClinGen allele CA415091177.
Genomic context (GRCh38, chrX:153,695,134, plus strand): 5'-CGCTGGCAGCACCTGACCCAGCCCATCTGGGGCCTCCACCACTTGGAGTACCGAGCTCAG[G>C]ACGCAGATGTCAGGGGCCTGACCACCCTGACCCCAGTGTCCGAGAGCAGCAAGGTCGTCG-3'
Protein context (NP_005620.1, residues 600-620): GLHHLEYRAQ[Asp610His]ADVRGLTTLT

ClinVar aggregate classification (germline): Uncertain significance (1 of 4 stars; one submission).

Conditions:
Creatine transporter deficiency (CCDS1). Also called: CEREBRAL CREATINE DEFICIENCY SYNDROME 1; Mental retardation , X-linked with seizures, short stature and midface hypoplasia; Mental retardation , X-linked, with creatine transport deficiency; X-linked creatine transporter deficiency; X-linked creatine deficiency syndrome; SLC6A8-Related Creatine Transporter Deficiency. Identifiers: Orphanet 52503, MedGen C1845862, MONDO:0010305, OMIM 300352.

Submission:

Labcorp Genetics (formerly Invitae), Labcorp
Classification: Uncertain significance for Creatine transporter deficiency. Last evaluated: 2022-02-05. Review status: criteria provided, single submitter. Criteria: Invitae Variant Classification Sherloc (09022015). Collection method: clinical testing. Allele origin: germline.
Comment: This variant is not present in population databases (gnomAD no frequency). This variant has not been reported in the literature in individuals affected with SLC6A8-related conditions. Advanced modeling of protein sequence and biophysical properties (such as structural, functional, and spatial information, amino acid conservation, physicochemical variation, residue mobility, and thermodynamic stability) performed at Invitae indicates that this missense variant is not expected to disrupt SLC6A8 protein function. In summary, the available evidence is currently insufficient to determine the role of this variant in disease. Therefore, it has been classified as a Variant of Uncertain Significance. This sequence change replaces aspartic acid, which is acidic and polar, with histidine, which is basic and polar, at codon 610 of the SLC6A8 protein (p.Asp610His).